The following is an entry in ClinVar:

ClinVar aggregate classification (germline): Uncertain significance (1 of 4 stars; one submission).

gnomAD v4.1: 1 of 1,614,138 alleles (0.000062%); highest among the groups gnomAD compares: Non-Finnish European, 0.000085%; no homozygotes.

Submission:

Labcorp Genetics (formerly Invitae), Labcorp
Classification: Uncertain significance. Last evaluated: 2024-03-27. Review status: criteria provided, single submitter. Criteria: Invitae Variant Classification Sherloc (09022015). Collection method: clinical testing. Allele origin: germline.
Comment: This sequence change replaces alanine, which is neutral and non-polar, with serine, which is neutral and polar, at codon 856 of the CTNNA1 protein (p.Ala856Ser). This variant is not present in population databases (gnomAD no frequency). This variant has not been reported in the literature in individuals affected with CTNNA1-related conditions. Advanced modeling of protein sequence and biophysical properties (such as structural, functional, and spatial information, amino acid conservation, physicochemical variation, residue mobility, and thermodynamic stability) performed at Invitae indicates that this missense variant is not expected to disrupt CTNNA1 protein function with a negative predictive value of 80%. In summary, the available evidence is currently insufficient to determine the role of this variant in disease. Therefore, it has been classified as a Variant of Uncertain Significance.

NM_001903.5(CTNNA1):c.2566G>T (p.Ala856Ser)

Gene: CTNNA1 (catenin alpha 1; plus strand). Cytogenetic location: 5q31.2.
Variant type: single nucleotide variant.
Coding change: c.2566G>T on transcript NM_001903.5 (MANE Select); coding-DNA position 2566, G replaced by T.
Protein change: p.Ala856Ser; replaces alanine 856 with serine.
Molecular consequence: missense variant. On other transcripts: 3 prime UTR variant (5).
Genome position (GRCh38, 1-based): chr5:138,933,934, G>T. VCF-style: chr5-138933934-G-T. GRCh37 (hg19) VCF-style: chr5-138269623-G-T.
Other names: c.*111G>T (NM_001290307.3, NM_001324002.1, NM_001324003.1 and 2 more transcripts); c.2257G>T, p.Ala753Ser (NM_001290309.3); c.2197G>T, p.Ala733Ser (NM_001290310.3); c.1456G>T, p.Ala486Ser (NM_001290312.1, NM_001323987.1, NM_001323988.1 and 12 more transcripts); c.2566G>T, p.Ala856Ser (NM_001323982.2, NM_001323983.1, NM_001323984.2); c.2539G>T, p.Ala847Ser (NM_001323985.2); c.2473G>T, p.Ala825Ser (NM_001323986.2); c.1321G>T, p.Ala441Ser (NM_001324001.1); and 3 more; short protein forms A373S, A753S, A847S, A405S, A486S, A441S, A455S, A733S.
Identifiers: ClinVar variation 3647905 (VCV003647905.2).